The following is an entry in ClinVar:

NM_001287491.2(TET3):c.995C>T (p.Ser332Phe)

Gene: TET3 (tet methylcytosine dioxygenase 3; plus strand). Cytogenetic location: 2p13.1.
Variant type: single nucleotide variant.
Coding change: c.995C>T on transcript NM_001287491.2 (MANE Select); coding-DNA position 995, C replaced by T.
Protein change: p.Ser332Phe; replaces serine 332 with phenylalanine.
Molecular consequence: missense variant.
Genome position (GRCh38, 1-based): chr2:74,046,912, C>T. VCF-style: chr2-74046912-C-T. GRCh37 (hg19) VCF-style: chr2-74274039-C-T.
Other names: c.716C>T, p.Ser239Phe (NM_001366022.1); short protein forms S239F, S332F.
Identifiers: ClinVar variation 4074463 (VCV004074463.2).
Genomic context (GRCh38, chr2:74,046,912, plus strand): 5'-AGGCCGGCCTCCCAGCACCAAGCACCAGGCCACTCCTCAGCTCAGAGGTGCCCCAGATCT[C>T]TCCCCAAGAGGGCCTGCCCCTGTCCCAGAGTGCCCTGAGCATTGCCAAGGAAAAAAACAT-3'
Protein context (NP_001274420.1, residues 322-342): PLLSSEVPQI[Ser332Phe]PQEGLPLSQS

ClinVar aggregate classification (germline): Uncertain significance. Review status: criteria provided, multiple submitters, no conflicts (2 of 4 stars). 2 submissions from 2 submitters: Uncertain significance (2). Last evaluated 2025-05-18.

Submissions (2):

Labcorp Genetics (formerly Invitae), Labcorp
Classification: Uncertain significance. Last evaluated: 2025-05-18. Review status: criteria provided, single submitter. Criteria: Invitae Variant Classification Sherloc (09022015). Collection method: clinical testing. Allele origin: germline.
Comment: This sequence change replaces serine, which is neutral and polar, with phenylalanine, which is neutral and non-polar, at codon 332 of the TET3 protein (p.Ser332Phe). This variant is not present in population databases (gnomAD no frequency). This variant has not been reported in the literature in individuals affected with TET3-related conditions. Experimental studies and prediction algorithms are not available or were not evaluated, and the functional significance of this variant is currently unknown. In summary, the available evidence is currently insufficient to determine the role of this variant in disease. Therefore, it has been classified as a Variant of Uncertain Significance.

GeneDx
Classification: Uncertain significance. Last evaluated: 2025-02-04. Review status: criteria provided, single submitter. Criteria: GeneDx Variant Classification Process June 2021. Collection method: clinical testing. Allele origin: germline. Affected: yes.
Comment: Not observed at significant frequency in large population cohorts (gnomAD); In silico analysis indicates that this missense variant does not alter protein structure/function; Has not been previously published as pathogenic or benign to our knowledge